The following is an entry in ClinVar:

NM_000390.4(CHM):c.95G>A (p.Arg32Gln)

Gene: CHM (CHM Rab escort protein; minus strand). Cytogenetic location: Xq21.2.
Variant type: single nucleotide variant.
Coding change: c.95G>A on transcript NM_000390.4 (MANE Select); coding-DNA position 95, G replaced by A.
Protein change: p.Arg32Gln; replaces arginine 32 with glutamine.
Molecular consequence: missense variant. On other transcripts: 5 prime UTR variant (4).
Genome position (GRCh38, 1-based): chrX:86,027,512, C>T on the plus strand (G>A on the coding strand, the complement: CHM is on the minus strand). VCF-style: chrX-86027512-C-T. GRCh37 (hg19) VCF-style: chrX-85282516-C-T.
Other names: c.95G>A, p.Arg32Gln (NM_001145414.4); c.-350G>A (NM_001320959.1, NM_001362517.1); c.-346G>A (NM_001362518.2, NM_001362519.1); short protein forms R32Q.
Identifiers: ClinVar variation 3702911 (VCV003702911.2).

ClinVar aggregate classification (germline): Uncertain significance (1 of 4 stars; one submission).

gnomAD v4.1: 9 of 1,206,684 alleles (0.00075%); highest among the groups gnomAD compares: East Asian, 0.003%; no homozygotes.

Submission:

Labcorp Genetics (formerly Invitae), Labcorp
Classification: Uncertain significance. Last evaluated: 2025-11-18. Review status: criteria provided, single submitter. Criteria: Invitae Variant Classification Sherloc (09022015). Collection method: clinical testing. Allele origin: germline.
Comment: This sequence change replaces arginine, which is basic and polar, with glutamine, which is neutral and polar, at codon 32 of the CHM protein (p.Arg32Gln). This variant is not present in population databases (gnomAD no frequency). This variant has not been reported in the literature in individuals affected with CHM-related conditions. ClinVar contains an entry for this variant (Variation ID: 3702911). Invitae Evidence Modeling of protein sequence and biophysical properties (such as structural, functional, and spatial information, amino acid conservation, physicochemical variation, residue mobility, and thermodynamic stability) indicates that this missense variant is not expected to disrupt CHM protein function with a negative predictive value of 80%. In summary, the available evidence is currently insufficient to determine the role of this variant in disease. Therefore, it has been classified as a Variant of Uncertain Significance.